The following is an entry in ClinVar:

ClinVar aggregate classification (germline): Uncertain significance (1 of 4 stars; one submission).

Conditions:
Epidermolysis bullosa simplex 3, localized or generalized intermediate, with BP230 deficiency (EBS3). Also called: Epidermolysis bullosa simplex due to BP230 deficiency; Epidermolysis bullosa simplex, autosomal recessive 2. Identifiers: Orphanet 412181, MedGen C3809470, MONDO:0014180, OMIM 615425.
Hereditary sensory and autonomic neuropathy type 6. Also called: HSAN VI; Neuropathy, hereditary sensory and autonomic, type VI. Identifiers: Orphanet 314381, MedGen C3539003, MONDO:0013839, OMIM 614653.

Allele frequency attached by ClinVar (database versions not stated): gnomAD exomes below 0.00001 and 0.00002; ExAC 0.00001.
gnomAD v4.1: 25 of 1,613,970 alleles (0.0015%); highest among the groups gnomAD compares: Non-Finnish European, 0.0021%; no homozygotes.

Submission:

Labcorp Genetics (formerly Invitae), Labcorp
Classification: Uncertain significance for Epidermolysis bullosa simplex 3, localized or generalized intermediate, with BP230 deficiency; Hereditary sensory and autonomic neuropathy type 6. Last evaluated: 2021-08-21. Review status: criteria provided, single submitter. Criteria: Invitae Variant Classification Sherloc (09022015). Collection method: clinical testing. Allele origin: germline.
Comment: In summary, the available evidence is currently insufficient to determine the role of this variant in disease. Therefore, it has been classified as a Variant of Uncertain Significance. Experimental studies and prediction algorithms are not available or were not evaluated, and the functional significance of this variant is currently unknown. This variant has not been reported in the literature in individuals affected with DST-related conditions. This variant is present in population databases (rs771266784, ExAC 0.002%). This sequence change replaces aspartic acid with alanine at codon 5127 of the DST protein (p.Asp5127Ala). The DST gene has multiple clinically relevant transcripts. This variant occurs in alternate transcript NM_015548.4, and corresponds to NM_001723.5:c.*156376A>C in the primary transcript.

NM_001374736.1(DST):c.23321A>C (p.Asp7774Ala)

Gene: DST (dystonin; minus strand). Cytogenetic location: 6p12.1.
Variant type: single nucleotide variant.
Coding change: c.23321A>C on transcript NM_001374736.1 (MANE Select); coding-DNA position 23321, A replaced by C.
Protein change: p.Asp7774Ala; replaces aspartic acid 7774 with alanine.
Molecular consequence: missense variant.
Genome position (GRCh38, 1-based): chr6:56,459,141, T>G on the plus strand (A>C on the coding strand, the complement: DST is on the minus strand). VCF-style: chr6-56459141-T-G. GRCh37 (hg19) VCF-style: chr6-56323939-T-G.
Other names: c.16892A>C, p.Asp5631Ala (NM_001144769.5); c.16478A>C, p.Asp5493Ala (NM_001144770.2); c.23249A>C, p.Asp7750Ala (NM_001374722.1); c.22250A>C, p.Asp7417Ala (NM_001374729.1); c.15992A>C, p.Asp5331Ala (NM_001374730.1); c.23276A>C, p.Asp7759Ala (NM_001374734.1); c.16340A>C, p.Asp5447Ala (NM_001386100.1); c.15380A>C, p.Asp5127Ala (NM_015548.5); and 1 more; short protein forms D5447A, D7750A, D5453A, D7774A, D5127A, D5331A, D5493A, D5631A.
Identifiers: ClinVar variation 1354925 (VCV001354925.8), dbSNP rs771266784, ClinGen allele CA3865989.